The following is an entry in ClinVar:

ClinVar aggregate classification (germline): Likely benign (1 of 4 stars; one submission).

Conditions:
Congenital heart defects, multiple types, 9 (CHTD9). Identifiers: MedGen C5830367, MONDO:0859532, OMIM 620294.

gnomAD v4.1: 18 of 1,613,584 alleles (0.0011%); highest among the groups gnomAD compares: Admixed American, 0.015%; no homozygotes.

Submission:

Dasa
Classification: Likely benign for Congenital heart defects, multiple types, 9. Last evaluated: 2025-11-10. Review status: criteria provided, single submitter. Criteria: DASA Assertion Criteria. Collection method: clinical testing. Allele origin: germline.
Comment: NM_015103.3(PLXND1):c.5586+6G>A is a splice-region variant. The variant context is inconsistent with a known disease-causing mechanism. Computational prediction algorithms are consistent with a benign effect. Therefore, based on the currently available evidence, this variant is classified as likely benign.

NM_015103.3(PLXND1):c.5586+6G>A

Gene: PLXND1 (plexin D1; minus strand). Cytogenetic location: 3q22.1.
Variant type: single nucleotide variant.
Coding change: c.5586+6G>A on transcript NM_015103.3 (MANE Select); 6 bases into the intron after coding-DNA position 5586, G replaced by A.
Molecular consequence: intron variant.
Genome position (GRCh38, 1-based): chr3:129,557,077, C>T on the plus strand (G>A on the coding strand, the complement: PLXND1 is on the minus strand). VCF-style: chr3-129557077-C-T. GRCh37 (hg19) VCF-style: chr3-129275920-C-T.
Identifiers: ClinVar variation 4884166 (VCV004884166.2).